The following is an entry in ClinVar:

ClinVar aggregate classification (germline): Benign/Likely benign. Review status: criteria provided, multiple submitters, no conflicts (2 of 4 stars). 4 submissions from 4 submitters: Benign (1); Likely benign (3). Last evaluated 2025-10-01.

Conditions:
YME1L1-related disorder. Also called: YME1L1-related condition.

Allele frequency attached by ClinVar (database versions not stated): gnomAD exomes 0.00027 and 0.00079; ExAC 0.00095; gnomAD 0.00259 and 0.00271; ESP Exome Variant Server 0.00277; TOPMed 0.00293; 1000 Genomes Project 0.00399; 1000 Genomes Project 30x 0.00453.
gnomAD v4.1: 829 of 1,611,258 alleles (0.051%); highest among the groups gnomAD compares: African/African-American, 0.89%; 6 homozygotes.

Submissions (4):

Labcorp Genetics (formerly Invitae), Labcorp
Classification: Benign. Last evaluated: 2025-10-01. Review status: criteria provided, single submitter. Criteria: Invitae Variant Classification Sherloc (09022015). Collection method: clinical testing. Allele origin: germline.

PreventionGenetics, part of Exact Sciences
Classification: Likely benign for YME1L1-related condition. Last evaluated: 2024-10-17. Review status: criteria provided, single submitter. Criteria: ACMG Guidelines, 2015. Collection method: clinical testing. Allele origin: germline.
Comment: This variant is classified as likely benign based on ACMG/AMP sequence variant interpretation guidelines (Richards et al. 2015 PMID: 25741868, with internal and published modifications).

Blueprint Genetics
Classification: Likely benign. Last evaluated: 2024-09-13. Review status: criteria provided, single submitter. Criteria: ACMG Guidelines, 2015. Collection method: clinical testing. Allele origin: germline.

CeGaT Center for Human Genetics Tuebingen
Classification: Likely benign. Last evaluated: 2023-03-01. Review status: criteria provided, single submitter. Criteria: CeGaT Center For Human Genetics Tuebingen Variant Classification Criteria Version 2. Collection method: clinical testing. Allele origin: germline. Affected: yes. Observed: 1 variant allele.
Comment: YME1L1: BP4, BP7, BS2

NM_014263.4(YME1L1):c.1929T>C (p.Val643=)

Gene: YME1L1 (YME1 like 1 ATPase; minus strand). Cytogenetic location: 10p12.1.
Variant type: single nucleotide variant.
Coding change: c.1929T>C on transcript NM_014263.4 (MANE Select); coding-DNA position 1929, T replaced by C.
Protein change: p.Val643=; no amino-acid change (valine 643 retained).
Molecular consequence: synonymous variant.
Genome position (GRCh38, 1-based): chr10:27,114,599, A>G on the plus strand (T>C on the coding strand, the complement: YME1L1 is on the minus strand). VCF-style: chr10-27114599-A-G. GRCh37 (hg19) VCF-style: chr10-27403528-A-G.
Other names: c.1830T>C, p.Val610= (NM_001253866.2); c.2100T>C, p.Val700= (NM_139312.3); c.1929T>C (NM_014263.3).
Identifiers: ClinVar variation 786152 (VCV000786152.37), dbSNP rs74128570, ClinGen allele CA5449197.